The following is an entry in ClinVar:

ClinVar aggregate classification (germline): Uncertain significance. Review status: criteria provided, multiple submitters, no conflicts (2 of 4 stars). 2 submissions from 2 submitters: Uncertain significance (2). Last evaluated 2022-07-29.

Conditions:
Familial cancer of breast. Also called: BREAST CANCER, FAMILIAL; Hereditary breast cancer; hereditary breast carcinoma. Identifiers: Orphanet 227535, MedGen C0346153, MONDO:0016419, OMIM 114480. Disease mechanism: loss of function.
Hereditary cancer-predisposing syndrome. Also called: Hereditary Cancer Syndrome; Neoplastic Syndromes, Hereditary; Tumor predisposition; Hereditary neoplastic syndrome. Identifiers: Orphanet 140162, MedGen C0027672, MeSH D009386, MONDO:0015356.

Submissions (2):

Labcorp Genetics (formerly Invitae), Labcorp
Classification: Uncertain significance for Familial cancer of breast. Last evaluated: 2022-07-29. Review status: criteria provided, single submitter. Criteria: Invitae Variant Classification Sherloc (09022015). Collection method: clinical testing. Allele origin: germline.
Comment: This variant is not present in population databases (gnomAD no frequency). This sequence change replaces phenylalanine, which is neutral and non-polar, with leucine, which is neutral and non-polar, at codon 816 of the PALB2 protein (p.Phe816Leu). This variant has not been reported in the literature in individuals affected with PALB2-related conditions. In summary, the available evidence is currently insufficient to determine the role of this variant in disease. Therefore, it has been classified as a Variant of Uncertain Significance. Algorithms developed to predict the effect of missense changes on protein structure and function output the following: SIFT: "Tolerated"; PolyPhen-2: "Benign"; Align-GVGD: "Class C0". The leucine amino acid residue is found in multiple mammalian species, which suggests that this missense change does not adversely affect protein function. ClinVar contains an entry for this variant (Variation ID: 481139).

Ambry Genetics
Classification: Uncertain significance for Hereditary cancer-predisposing syndrome. Last evaluated: 2017-03-23. Review status: criteria provided, single submitter. Criteria: Ambry Variant Classification Scheme 2023. Collection method: clinical testing. Allele origin: germline.
Comment: The p.F816L variant (also known as c.2448C>A), located in coding exon 5 of the PALB2 gene, results from a C to A substitution at nucleotide position 2448. The phenylalanine at codon 816 is replaced by leucine, an amino acid with highly similar properties. This amino acid position is not well conserved in available vertebrate species and leucine is the reference amino acid in several species. Since supporting evidence is limited at this time, the clinical significance of this alteration remains unclear.

NM_024675.4(PALB2):c.2448C>A (p.Phe816Leu)

Gene: PALB2 (partner and localizer of BRCA2; minus strand). Cytogenetic location: 16p12.2.
Variant type: single nucleotide variant.
Coding change: c.2448C>A on transcript NM_024675.4 (MANE Select); coding-DNA position 2448, C replaced by A.
Protein change: p.Phe816Leu; replaces phenylalanine 816 with leucine.
Molecular consequence: missense variant.
Genome position (GRCh38, 1-based): chr16:23,629,706, G>T on the plus strand (C>A on the coding strand, the complement: PALB2 is on the minus strand). VCF-style: chr16-23629706-G-T. GRCh37 (hg19) VCF-style: chr16-23641027-G-T.
Other names: short protein forms F816L.
Identifiers: ClinVar variation 481139 (VCV000481139.11), dbSNP rs876659879, ClinGen allele CA395124180.